The following is an entry in ClinVar:

NM_020458.4(TTC7A):c.44G>C (p.Ser15Thr)

Genes: MCFD2 (multiple coagulation factor deficiency 2, ER cargo receptor complex subunit; minus strand), TTC7A (tetratricopeptide repeat domain 7A; plus strand). Cytogenetic location: 2p21.
Variant type: single nucleotide variant.
Coding change: c.44G>C on transcript NM_020458.4 (MANE Select); coding-DNA position 44, G replaced by C.
Protein change: p.Ser15Thr; replaces serine 15 with threonine.
Molecular consequence: missense variant. On other transcripts: 5 prime UTR variant (2), intron variant (1).
Genome position (GRCh38, 1-based): chr2:46,941,585, G>C. VCF-style: chr2-46941585-G-C. GRCh37 (hg19) VCF-style: chr2-47168724-G-C.
Other names: c.44G>C, p.Ser15Thr (NM_001288951.2); c.-861G>C (NM_001288955.2); c.-20C>G (NM_001171508.2); c.79C>G, p.Leu27Val (NM_001171511.3); c.83-8778G>C (NM_001288953.2); short protein forms L27V, S15T.
Identifiers: ClinVar variation 1007313 (VCV001007313.9), dbSNP rs550715352, ClinGen allele CA1647022.
Genomic context (GRCh38, chr2:46,941,585, plus strand): 5'-ACAGCGCCCGCGAGAAGATGGCTGCGAAGGGCGCGCACGGCTCCTACCTGAAGGTGGAGA[G>C]CGAGCTGGAGCGCTGCCGCGCCGAGGGCCACTGGGACCGCATGCCGGAGCTGGTCCGGCA-3'
Protein context (NP_065191.2, residues 5-25): GAHGSYLKVE[Ser15Thr]ELERCRAEGH

ClinVar aggregate classification (germline): Uncertain significance. Review status: criteria provided, multiple submitters, no conflicts (2 of 4 stars). 2 submissions from 2 submitters: Uncertain significance (2). Last evaluated 2025-10-29.

Conditions:
Multiple gastrointestinal atresias. Also called: FAMILIAL INTESTINAL POLYATRESIA SYNDROME; Multiple intestinal atresia. Identifiers: Orphanet 2300, MedGen C0220744, MONDO:0009465.
Inborn genetic diseases. Identifiers: MedGen C0950123, MeSH D030342.

Allele frequency attached by ClinVar (database versions not stated): TOPMed below 0.00001; ExAC 0.00015; 1000 Genomes Project 0.00020; gnomAD 0.00001; gnomAD exomes 0.00001; 1000 Genomes Project 30x 0.00016.
gnomAD v4.1: 2 of 1,557,088 alleles (0.00013%); highest among the groups gnomAD compares: East Asian, 0.0024%; no homozygotes.

Submissions (2):

Ambry Genetics
Classification: Uncertain significance for Inborn genetic diseases. Last evaluated: 2025-10-29. Review status: criteria provided, single submitter. Criteria: Ambry Variant Classification Scheme 2023. Collection method: clinical testing. Allele origin: germline.

Labcorp Genetics (formerly Invitae), Labcorp
Classification: Uncertain significance for Multiple gastrointestinal atresias. Last evaluated: 2020-08-22. Review status: criteria provided, single submitter. Criteria: Invitae Variant Classification Sherloc (09022015). Collection method: clinical testing. Allele origin: germline.
Comment: This variant has not been reported in the literature in individuals with TTC7A-related conditions. While this variant is present in population databases (rs550715352), the frequency information is unreliable, as metrics indicate poor data quality at this position in the ExAC database. This sequence change replaces serine with threonine at codon 15 of the TTC7A protein (p.Ser15Thr). The serine residue is weakly conserved and there is a small physicochemical difference between serine and threonine. Algorithms developed to predict the effect of missense changes on protein structure and function are either unavailable or do not agree on the potential impact of this missense change (SIFT: "Deleterious"; PolyPhen-2: "Benign"; Align-GVGD: "Class C0"). In summary, the available evidence is currently insufficient to determine the role of this variant in disease. Therefore, it has been classified as a Variant of Uncertain Significance.